The following is an entry in ClinVar:

ClinVar aggregate classification (germline): Uncertain significance. Review status: criteria provided, multiple submitters, no conflicts (2 of 4 stars). 2 submissions from 2 submitters: Uncertain significance (2). Last evaluated 2023-08-18.

Conditions:
Inborn genetic diseases. Identifiers: MedGen C0950123, MeSH D030342.

Allele frequency attached by ClinVar (database versions not stated): ExAC 0.00003; gnomAD exomes 0.00005; TOPMed 0.00005; gnomAD 0.00006; ESP Exome Variant Server 0.00016.
gnomAD v4.1: 139 of 1,613,906 alleles (0.0086%); highest among the groups gnomAD compares: Non-Finnish European, 0.011%; no homozygotes.

Submissions (2):

Ambry Genetics
Classification: Uncertain significance for Inborn genetic diseases. Last evaluated: 2023-08-18. Review status: criteria provided, single submitter. Criteria: Ambry Variant Classification Scheme 2023. Collection method: clinical testing. Allele origin: germline.

Labcorp Genetics (formerly Invitae), Labcorp
Classification: Uncertain significance. Last evaluated: 2022-07-05. Review status: criteria provided, single submitter. Criteria: Invitae Variant Classification Sherloc (09022015). Collection method: clinical testing. Allele origin: germline.
Comment: This sequence change replaces alanine, which is neutral and non-polar, with valine, which is neutral and non-polar, at codon 115 of the COL18A1 protein (p.Ala115Val). This variant is present in population databases (rs367715239, gnomAD 0.009%). This variant has not been reported in the literature in individuals affected with COL18A1-related conditions. ClinVar contains an entry for this variant (Variation ID: 1377554). Experimental studies and prediction algorithms are not available or were not evaluated, and the functional significance of this variant is currently unknown. In summary, the available evidence is currently insufficient to determine the role of this variant in disease. Therefore, it has been classified as a Variant of Uncertain Significance.

NM_001379500.1(COL18A1):c.344C>T (p.Ala115Val)

Gene: COL18A1 (collagen type XVIII alpha 1 chain; plus strand). Cytogenetic location: 21q22.3.
Variant type: single nucleotide variant.
Coding change: c.344C>T on transcript NM_001379500.1 (MANE Select); coding-DNA position 344, C replaced by T.
Protein change: p.Ala115Val; replaces alanine 115 with valine.
Molecular consequence: missense variant.
Genome position (GRCh38, 1-based): chr21:45,468,479, C>T. VCF-style: chr21-45468479-C-T. GRCh37 (hg19) VCF-style: chr21-46888393-C-T.
Other names: NM_130445.2:c.344C>T; c.884C>T, p.Ala295Val (NM_030582.4); c.1589C>T, p.Ala530Val (NM_130444.3); short protein forms A295V, A530V, A115V.
Identifiers: ClinVar variation 1377554 (VCV001377554.4), dbSNP rs367715239, ClinGen allele CA10065727.